The following is an entry in ClinVar:

ClinVar aggregate classification (germline): Uncertain significance (1 of 4 stars; one submission).

Conditions:
Familial adenomatous polyposis 1 (FAP1). Also called: FAMILIAL ADENOMATOUS POLYPOSIS 1, ATTENUATED; POLYPOSIS, ADENOMATOUS INTESTINAL. Identifiers: MedGen C2713442, MONDO:0021056, OMIM 175100. Disease mechanism: loss of function.

Submission:

Labcorp Genetics (formerly Invitae), Labcorp
Classification: Uncertain significance for Familial adenomatous polyposis 1. Last evaluated: 2025-05-08. Review status: criteria provided, single submitter. Criteria: Invitae Variant Classification Sherloc (09022015). Collection method: clinical testing. Allele origin: germline.
Comment: This variant occurs in a non-coding region of the APC gene. It does not change the encoded amino acid sequence of the APC protein. This variant is not present in population databases (gnomAD no frequency). This variant has not been reported in the literature in individuals affected with APC-related conditions. Experimental studies and prediction algorithms are not available or were not evaluated, and the functional significance of this variant is currently unknown. In summary, the available evidence is currently insufficient to determine the role of this variant in disease. Therefore, it has been classified as a Variant of Uncertain Significance.

NM_001127511.3(APC):c.26C>A (p.Pro9Gln)

Gene: APC (APC regulator of Wnt signaling pathway; plus strand). Cytogenetic location: 5q22.2.
Variant type: single nucleotide variant.
Coding change: c.26C>A on transcript NM_001127511.3; coding-DNA position 26, C replaced by A.
Protein change: p.Pro9Gln; replaces proline 9 with glutamine.
Molecular consequence: missense variant. On other transcripts: intron variant (5), non-coding transcript variant (1), 5 prime UTR variant (8).
Genome position (GRCh38, 1-based): chr5:112,707,743, C>A. VCF-style: chr5-112707743-C-A. GRCh37 (hg19) VCF-style: chr5-112043440-C-A.
Other names: c.-19+94C>A (NM_001407457.1, NM_001407458.1, NM_001407448.1 and 1 more transcripts); c.-43+94C>A (NM_001407453.1); c.-158C>A (NM_001354895.2, NM_001407447.1, NM_001407452.1 and 3 more transcripts); c.26C>A, p.Pro9Gln (NM_001354897.2, NM_001354902.2, NM_001407446.1); c.-1193C>A (NM_001407470.1, NM_001407472.1); short protein forms P9Q.
Identifiers: ClinVar variation 1037697 (VCV001037697.9), dbSNP rs1342657032, ClinGen allele CA360611657.